The following is an entry in ClinVar:

ClinVar aggregate classification (germline): Likely benign. Review status: criteria provided, multiple submitters, no conflicts (2 of 4 stars). 3 submissions from 3 submitters: Likely benign (3). Last evaluated 2025-03-31.

Conditions:
Cohen syndrome (COH1). Also called: Cutis verticis gyrata, retinitis pigmentosa, and sensorineural deafness; PEPPER SYNDROME. Identifiers: Orphanet 193, MedGen C0265223, MONDO:0008999, OMIM 216550.
VPS13B-related disorder. Also called: VPS13B-related condition.

Submissions (3):

PreventionGenetics, part of Exact Sciences
Classification: Likely benign for VPS13B-related condition. Last evaluated: 2025-03-31. Review status: criteria provided, single submitter. Criteria: ACMG Guidelines, 2015. Collection method: clinical testing. Allele origin: germline.
Comment: This variant is classified as likely benign based on ACMG/AMP sequence variant interpretation guidelines (Richards et al. 2015 PMID: 25741868, with internal and published modifications).

Blueprint Genetics
Classification: Likely benign. Last evaluated: 2024-07-23. Review status: criteria provided, single submitter. Criteria: ACMG Guidelines, 2015. Collection method: clinical testing. Allele origin: germline.

Labcorp Genetics (formerly Invitae), Labcorp
Classification: Likely benign for Cohen syndrome. Last evaluated: 2022-12-18. Review status: criteria provided, single submitter. Criteria: Invitae Variant Classification Sherloc (09022015). Collection method: clinical testing. Allele origin: germline.

NM_152564.5(VPS13B):c.1533A>G (p.Ala511=)

Gene: VPS13B (vacuolar protein sorting 13 homolog B; plus strand). Cytogenetic location: 8q22.2.
Variant type: single nucleotide variant.
Coding change: c.1533A>G on transcript NM_152564.5 (MANE Select); coding-DNA position 1533, A replaced by G.
Protein change: p.Ala511=; no amino-acid change (alanine 511 retained).
Molecular consequence: synonymous variant.
Genome position (GRCh38, 1-based): chr8:99,135,703, A>G. VCF-style: chr8-99135703-A-G. GRCh37 (hg19) VCF-style: chr8-100147931-A-G.
Other names: c.1533A>G, p.Ala511= (NM_015243.3, NM_017890.5); c.1533A>G (NM_152564.4).
Identifiers: ClinVar variation 1573391 (VCV001573391.10), dbSNP rs2132556812, ClinGen allele CA462421799.